The following is an entry in ClinVar:

ClinVar aggregate classification (germline): Uncertain significance (1 of 4 stars; one submission).

Conditions:
Hereditary cancer-predisposing syndrome. Also called: Neoplastic Syndromes, Hereditary; Tumor predisposition; Hereditary Cancer Syndrome; Hereditary neoplastic syndrome. Identifiers: Orphanet 140162, MedGen C0027672, MeSH D009386, MONDO:0015356.

Submission:

Ambry Genetics
Classification: Uncertain significance for Hereditary cancer-predisposing syndrome. Last evaluated: 2019-05-20. Review status: criteria provided, single submitter. Criteria: Ambry Variant Classification Scheme 2023. Collection method: clinical testing. Allele origin: germline.
Comment: The p.F751I variant (also known as c.2251T>A), located in coding exon 13 of the PMS2 gene, results from a T to A substitution at nucleotide position 2251. The phenylalanine at codon 751 is replaced by isoleucine, an amino acid with highly similar properties. In addition, this alteration is predicted to be deleterious by in silico analysis. Since supporting evidence is limited at this time, the clinical significance of this alteration remains unclear.

NM_000535.7(PMS2):c.2251T>A (p.Phe751Ile)

Gene: PMS2 (PMS1 homolog 2, mismatch repair system component; minus strand). Cytogenetic location: 7p22.1.
Variant type: single nucleotide variant.
Coding change: c.2251T>A on transcript NM_000535.7 (MANE Select); coding-DNA position 2251, T replaced by A.
Protein change: p.Phe751Ile; replaces phenylalanine 751 with isoleucine.
Molecular consequence: missense variant. On other transcripts: non-coding transcript variant (1).
Genome position (GRCh38, 1-based): chr7:5,978,620, A>T on the plus strand (T>A on the coding strand, the complement: PMS2 is on the minus strand). VCF-style: chr7-5978620-A-T. GRCh37 (hg19) VCF-style: chr7-6018251-A-T.
Other names: c.1786T>A, p.Phe596Ile (NM_001406900.1); c.1777T>A, p.Phe593Ile (NM_001406901.1, NM_001406902.1); c.1765T>A, p.Phe589Ile (NM_001406903.1); c.1738T>A, p.Phe580Ile (NM_001406904.1, NM_001406905.1); c.1915T>A, p.Phe639Ile (NM_001406885.1); c.1885T>A, p.Phe629Ile (NM_001406886.1); c.1846T>A, p.Phe616Ile (NM_001406887.1, NM_001406888.1, NM_001406889.1 and 15 more transcripts); c.1690T>A, p.Phe564Ile (NM_001406906.1, NM_001406907.1, NM_001322010.2); and 14 more; short protein forms F589I, F685I, F715I, F813I, F564I, F593I, F616I, F629I.
Identifiers: ClinVar variation 1788444 (VCV001788444.2), dbSNP rs2535389068, ClinGen allele CA366736557.
Genomic context (GRCh38, chr7:5,978,620, plus strand): 5'-CACACCCAGCCGCTATAGTTCTAATTAATAACTTACCATTTTCATCGATAACAAAATCAA[A>T]GCCATTCTTTCTAAATATTTCCAGATTTTCTATCAGAACAGCTTCATTAACAGCAGTTAA-3'
Protein context (NP_000526.2, residues 741-761): ENLEIFRKNG[Phe751Ile]DFVIDENAPV